The following is an entry in ClinVar:

ClinVar aggregate classification (germline): Uncertain significance. Review status: criteria provided, multiple submitters, no conflicts (2 of 4 stars). 2 submissions from 2 submitters: Uncertain significance (2). Last evaluated 2026-07-08.

Conditions:
SORL1-related disorder. Also called: SORL1-related condition.

Allele frequency attached by ClinVar (database versions not stated): gnomAD 0.00003; TOPMed 0.00003; ExAC 0.00004; gnomAD exomes 0.00004 and 0.00006.
gnomAD v4.1: 88 of 1,614,010 alleles (0.0055%); highest among the groups gnomAD compares: Non-Finnish European, 0.0066%; no homozygotes.

Submissions (2):

PreventionGenetics, part of Exact Sciences
Classification: Uncertain significance for SORL1-related condition. Last evaluated: 2026-07-08. Review status: criteria provided, single submitter. Criteria: ACMG Guidelines, 2015. Collection method: clinical testing. Allele origin: germline.
Comment: The SORL1 c.1729T>C variant is predicted to result in the amino acid substitution p.Ser577Pro. To our knowledge, this variant has not been reported in the literature. This variant is reported in 0.0080% of alleles in individuals of European (Finnish) descent in gnomAD. At this time, the clinical significance of this variant is uncertain due to the absence of conclusive functional and genetic evidence.

Labcorp Genetics (formerly Invitae), Labcorp
Classification: Uncertain significance. Last evaluated: 2021-10-18. Review status: criteria provided, single submitter. Criteria: Invitae Variant Classification Sherloc (09022015). Collection method: clinical testing. Allele origin: germline.
Comment: In summary, the available evidence is currently insufficient to determine the role of this variant in disease. Therefore, it has been classified as a Variant of Uncertain Significance. Algorithms developed to predict the effect of missense changes on protein structure and function are either unavailable or do not agree on the potential impact of this missense change (SIFT: "Tolerated"; PolyPhen-2: "Possibly Damaging"; Align-GVGD: "Class C0"). This variant has not been reported in the literature in individuals affected with SORL1-related conditions. This variant is present in population databases (rs545522170, ExAC 0.02%). This sequence change replaces serine with proline at codon 577 of the SORL1 protein (p.Ser577Pro). The serine residue is highly conserved and there is a moderate physicochemical difference between serine and proline.

NM_003105.6(SORL1):c.1729T>C (p.Ser577Pro)

Gene: SORL1 (sortilin related receptor 1; plus strand). Cytogenetic location: 11q24.1.
Variant type: single nucleotide variant.
Coding change: c.1729T>C on transcript NM_003105.6 (MANE Select); coding-DNA position 1729, T replaced by C.
Protein change: p.Ser577Pro; replaces serine 577 with proline.
Molecular consequence: missense variant.
Genome position (GRCh38, 1-based): chr11:121,543,591, T>C. VCF-style: chr11-121543591-T-C. GRCh37 (hg19) VCF-style: chr11-121414300-T-C.
Other names: c.1729T>C (NM_003105.5); short protein forms S577P.
Identifiers: ClinVar variation 1448555 (VCV001448555.7), dbSNP rs545522170, ClinGen allele CA6328725.